The following is an entry in ClinVar:

ClinVar aggregate classification (germline): Uncertain significance (1 of 4 stars; one submission).

Submission:

GeneDx
Classification: Uncertain significance. Last evaluated: 2024-12-13. Review status: criteria provided, single submitter. Criteria: GeneDx Variant Classification Process June 2021. Collection method: clinical testing. Allele origin: germline. Affected: yes.
Comment: Not observed at significant frequency in large population cohorts (gnomAD); In silico analysis supports that this missense variant has a deleterious effect on protein structure/function; Has not been previously published as pathogenic or benign to our knowledge

NM_015557.3(CHD5):c.5288C>T (p.Pro1763Leu)

Gene: CHD5 (chromodomain helicase DNA binding protein 5; minus strand). Cytogenetic location: 1p36.31.
Variant type: single nucleotide variant.
Coding change: c.5288C>T on transcript NM_015557.3 (MANE Select); coding-DNA position 5288, C replaced by T.
Protein change: p.Pro1763Leu; replaces proline 1763 with leucine.
Molecular consequence: missense variant.
Genome position (GRCh38, 1-based): chr1:6,110,488, G>A on the plus strand (C>T on the coding strand, the complement: CHD5 is on the minus strand). VCF-style: chr1-6110488-G-A. GRCh37 (hg19) VCF-style: chr1-6170548-G-A.
Other names: short protein forms P1763L.
Identifiers: ClinVar variation 3903112 (VCV003903112.1).